The following is an entry in ClinVar:

NM_002691.4(POLD1):c.3320G>C (p.Trp1107Ser)

Gene: POLD1 (DNA polymerase delta 1, catalytic subunit; plus strand). Cytogenetic location: 19q13.33.
Variant type: single nucleotide variant.
Coding change: c.3320G>C on transcript NM_002691.4 (MANE Select); coding-DNA position 3320, G replaced by C.
Protein change: p.Trp1107Ser; replaces tryptophan 1107 with serine.
Molecular consequence: missense variant. On other transcripts: non-coding transcript variant (1).
Genome position (GRCh38, 1-based): chr19:50,417,943, G>C. VCF-style: chr19-50417943-G-C. GRCh37 (hg19) VCF-style: chr19-50921200-G-C.
Other names: c.3320G>C, p.Trp1107Ser (NM_001256849.1); c.3398G>C, p.Trp1133Ser (NM_001308632.1); short protein forms W1133S, W1107S.
Identifiers: ClinVar variation 3725492 (VCV003725492.2).

ClinVar aggregate classification (germline): Uncertain significance (1 of 4 stars; one submission).

Conditions:
POLD1-related polyposis and colorectal cancer syndrome (CRCS10). Also called: Colorectal cancer 10; COLORECTAL CANCER, SUSCEPTIBILITY TO, ON CHROMOSOME 19q; Colorectal cancer, susceptibility to, 10. Identifiers: Orphanet 220460, MedGen C2675481, MONDO:0012953, OMIM 612591.

Submission:

Labcorp Genetics (formerly Invitae), Labcorp
Classification: Uncertain significance for POLD1-related polyposis and colorectal cancer syndrome. Last evaluated: 2024-11-18. Review status: criteria provided, single submitter. Criteria: Invitae Variant Classification Sherloc (09022015). Collection method: clinical testing. Allele origin: germline.
Comment: This sequence change replaces tryptophan, which is neutral and slightly polar, with serine, which is neutral and polar, at codon 1107 of the POLD1 protein (p.Trp1107Ser). This variant is not present in population databases (gnomAD no frequency). This variant has not been reported in the literature in individuals affected with POLD1-related conditions. An algorithm developed to predict the effect of missense changes on protein structure and function (PolyPhen-2) suggests that this variant is likely to be disruptive. In summary, the available evidence is currently insufficient to determine the role of this variant in disease. Therefore, it has been classified as a Variant of Uncertain Significance.